The following is an entry in ClinVar:

ClinVar aggregate classification (germline): Uncertain significance. Review status: criteria provided, multiple submitters, no conflicts (2 of 4 stars). 5 submissions from 5 submitters: Uncertain significance (5). Last evaluated 2025-06-30.

Conditions:
BRCA2-related cancer predisposition. Identifiers: MedGen CN377758, MONDO:0700269.
Hereditary cancer-predisposing syndrome. Also called: Tumor predisposition; Neoplastic Syndromes, Hereditary; Hereditary Cancer Syndrome; Hereditary neoplastic syndrome. Identifiers: Orphanet 140162, MedGen C0027672, MeSH D009386, MONDO:0015356.
Breast-ovarian cancer, familial, susceptibility to, 2 (BROVCA2). Also called: BRCA2 Hereditary Breast and Ovarian Cancer. Identifiers: Orphanet 145, MedGen C2675520, MONDO:0012933, OMIM 612555. Disease mechanism: loss of function.
Familial cancer of breast. Also called: BREAST CANCER, FAMILIAL; Hereditary breast cancer; hereditary breast carcinoma. Identifiers: Orphanet 227535, MedGen C0346153, MONDO:0016419, OMIM 114480. Disease mechanism: loss of function.
Hereditary breast ovarian cancer syndrome. Also called: Hereditary breast and ovarian cancer; Breast and ovarian cancer; Hereditary breast and/or ovarian cancer syndrome; Hereditary breast and ovarian cancer syndrome (HBOC); BRCA1- and BRCA2-Associated Hereditary Breast and Ovarian Cancer; Hereditary breast and ovarian cancer syndrome. Identifiers: Orphanet 145, MedGen C0677776, MeSH D061325, MONDO:0003582. Disease mechanism: loss of function.

gnomAD v4.1: 1 of 1,609,372 alleles (0.000062%); highest among the groups gnomAD compares: Non-Finnish European, 0.000085%; no homozygotes.

Submissions (5):

Labcorp Genetics (formerly Invitae), Labcorp
Classification: Uncertain significance for Hereditary breast ovarian cancer syndrome. Last evaluated: 2025-06-30. Review status: criteria provided, single submitter. Criteria: Invitae Variant Classification Sherloc (09022015). Collection method: clinical testing. Allele origin: germline.
Comment: This sequence change replaces proline, which is neutral and non-polar, with serine, which is neutral and polar, at codon 153 of the BRCA2 protein (p.Pro153Ser). This variant is not present in population databases (gnomAD no frequency). This variant has not been reported in the literature in individuals affected with BRCA2-related conditions. ClinVar contains an entry for this variant (Variation ID: 479360). Invitae Evidence Modeling of protein sequence and biophysical properties (such as structural, functional, and spatial information, amino acid conservation, physicochemical variation, residue mobility, and thermodynamic stability) indicates that this missense variant is not expected to disrupt BRCA2 protein function with a negative predictive value of 95%. In summary, the available evidence is currently insufficient to determine the role of this variant in disease. Therefore, it has been classified as a Variant of Uncertain Significance.

Ambry Genetics
Classification: Uncertain significance for Hereditary cancer-predisposing syndrome. Last evaluated: 2024-07-18. Review status: criteria provided, single submitter. Criteria: Ambry Variant Classification Scheme 2023. Collection method: clinical testing. Allele origin: germline.
Comment: The p.P153S variant (also known as c.457C>T), located in coding exon 4 of the BRCA2 gene, results from a C to T substitution at nucleotide position 457. The proline at codon 153 is replaced by serine, an amino acid with similar properties. This amino acid position is highly conserved in available vertebrate species. In addition, this alteration is predicted to be tolerated by in silico analysis. Based on the available evidence, the clinical significance of this variant remains unclear.

All of Us Research Program, National Institutes of Health
Classification: Uncertain significance for BRCA2-related cancer predisposition. Last evaluated: 2024-03-05. Review status: criteria provided, single submitter. Criteria: ACMG Guidelines, 2015. Collection method: clinical testing. Allele origin: germline. Inheritance: Autosomal dominant inheritance. Observed: 1 variant allele, 1 heterozygote.
Comment: This study involves interpretation of variants in research participants for the purpose of population health screening. Participant phenotype was not available at the time of variant classification. Additional details can be found in publication PMID: 35346344, PMCID: PMC8962531

Department of Pathology and Laboratory Medicine, Sinai Health System
Classification: Uncertain significance for Familial cancer of breast; Breast-ovarian cancer, familial, susceptibility to, 2. Last evaluated: 2022-07-06. Review status: criteria provided, single submitter. Criteria: ACMG Guidelines, 2015. Collection method: clinical testing. Allele origin: germline. Affected: yes.

Women's Health and Genetics/Laboratory Corporation of America, LabCorp
Classification: Uncertain significance. Last evaluated: 2016-08-11. Review status: criteria provided, single submitter. Criteria: LabCorp Variant Classification Summary - May 2015. Collection method: clinical testing. Allele origin: germline.
Comment: Variant summary: The BRCA2 c.457C>T (p.Pro153Ser) variant involves the alteration of a conserved nucleotide. 3/4 in silico tools predict a damaging outcome for this variant. This variant is absent in 121034 control chromosomes. The variant of interest has not, to our knowledge, been reported in affected individuals via publications and/or reputable databases/clinical diagnostic laboratories; nor evaluated for functional impact by in vivo/vitro studies. Because of the absence of clinical information and the lack of functional studies, the variant is classified as a variant of uncertain significance (VUS) until additional information becomes available.

NM_000059.4(BRCA2):c.457C>T (p.Pro153Ser)

Gene: BRCA2 (BRCA2 DNA repair associated; plus strand). Cytogenetic location: 13q13.1.
Variant type: single nucleotide variant.
Coding change: c.457C>T on transcript NM_000059.4 (MANE Select); coding-DNA position 457, C replaced by T.
Protein change: p.Pro153Ser; replaces proline 153 with serine.
Molecular consequence: missense variant.
Genome position (GRCh38, 1-based): chr13:32,326,132, C>T. VCF-style: chr13-32326132-C-T. GRCh37 (hg19) VCF-style: chr13-32900269-C-T.
Other names: short protein forms P153S.
Identifiers: ClinVar variation 479360 (VCV000479360.10), dbSNP rs1555280950, ClinGen allele CA387757137.